The following is an entry in ClinVar:

ClinVar aggregate classification (germline): Likely benign (1 of 4 stars; one submission).

Allele frequency attached by ClinVar (database versions not stated): ExAC 0.00001; gnomAD exomes below 0.00001.
gnomAD v4.1: 1 of 1,613,590 alleles (0.000062%); highest among the groups gnomAD compares: Non-Finnish European, 0.000085%; no homozygotes.

Submission:

GeneDx
Classification: Likely benign. Last evaluated: 2017-04-18. Review status: criteria provided, single submitter. Criteria: GeneDx Variant Classification (06012015). Collection method: clinical testing. Allele origin: germline. Affected: yes.
Comment: This variant is considered likely benign or benign based on one or more of the following criteria: it is a conservative change, it occurs at a poorly conserved position in the protein, it is predicted to be benign by multiple in silico algorithms, and/or has population frequency not consistent with disease.

NM_000127.3(EXT1):c.256C>A (p.Arg86=)

Gene: EXT1 (exostosin glycosyltransferase 1; minus strand). Cytogenetic location: 8q24.11.
Variant type: single nucleotide variant.
Coding change: c.256C>A on transcript NM_000127.3 (MANE Select); coding-DNA position 256, C replaced by A.
Protein change: p.Arg86=; no amino-acid change (arginine 86 retained).
Molecular consequence: synonymous variant.
Genome position (GRCh38, 1-based): chr8:118,110,791, G>T on the plus strand (C>A on the coding strand, the complement: EXT1 is on the minus strand). VCF-style: chr8-118110791-G-T. GRCh37 (hg19) VCF-style: chr8-119123030-G-T.
Identifiers: ClinVar variation 509106 (VCV000509106.1), dbSNP rs760899584, ClinGen allele CA4854385.